The following is an entry in ClinVar:

NM_000459.5(TEK):c.2094G>A (p.Gln698=)

Gene: TEK (TEK receptor tyrosine kinase; plus strand). Cytogenetic location: 9p21.2.
Variant type: single nucleotide variant.
Coding change: c.2094G>A on transcript NM_000459.5 (MANE Select); coding-DNA position 2094, G replaced by A.
Protein change: p.Gln698=; no amino-acid change (glutamine 698 retained).
Molecular consequence: synonymous variant.
Genome position (GRCh38, 1-based): chr9:27,203,004, G>A. VCF-style: chr9-27203004-G-A. GRCh37 (hg19) VCF-style: chr9-27203002-G-A.
Other names: p.Gln698=; c.2094G>A (NM_000459.4); c.1965G>A, p.Gln655= (NM_001290077.2, NM_001375476.1); c.1653G>A, p.Gln551= (NM_001290078.2); c.2094G>A, p.Gln698= (NM_001375475.1).
Identifiers: ClinVar variation 366437 (VCV000366437.17), dbSNP rs45563539, ClinGen allele CA5016404.
Genomic context (GRCh38, chr9:27,203,004, plus strand): 5'-CAAGAATGAAGACCAGCACGTTGATGTGAAGATAAAGAATGCCACCATCACTCAGTATCA[G>A]CTCAAGGGCCTAGAGCCTGAAACAGCATACCAGGTGGACATTTTTGCAGAGAACAACATA-3'
Protein context (NP_000450.3, residues 688-708): KIKNATITQY[Gln698=]LKGLEPETAY

ClinVar aggregate classification (germline): Benign. Review status: criteria provided, multiple submitters, no conflicts (2 of 4 stars). 6 submissions from 6 submitters: Benign (6). Last evaluated 2026-01-12.

Conditions:
Multiple cutaneous and mucosal venous malformations (VMCM). Also called: TEK-Related Multiple Cutaneous and Mucosal Venous Malformations (VMCM). Identifiers: Orphanet 2451, MedGen C1838437, MONDO:0010842, OMIM 600195.

Allele frequency attached by ClinVar (database versions not stated): gnomAD 0.03360 and 0.03478; 1000 Genomes Project 30x 0.03373; 1000 Genomes Project 0.03395; TOPMed 0.03547; ESP Exome Variant Server 0.03583; ExAC 0.04576; gnomAD exomes 0.04608 and 0.04717.

Submissions (6):

Labcorp Genetics (formerly Invitae), Labcorp
Classification: Benign. Last evaluated: 2026-01-12. Review status: criteria provided, single submitter. Criteria: Invitae Variant Classification Sherloc (09022015). Collection method: clinical testing. Allele origin: germline.

Blueprint Genetics
Classification: Benign. Last evaluated: 2024-11-27. Review status: criteria provided, single submitter. Criteria: ACMG Guidelines, 2015. Collection method: clinical testing. Allele origin: germline.

Mayo Clinic Laboratories, Mayo Clinic
Classification: Benign. Last evaluated: 2022-04-26. Review status: criteria provided, single submitter. Criteria: ACMG Guidelines, 2015. Collection method: clinical testing. Allele origin: germline. Observed: 61 variant alleles.

GeneDx
Classification: Benign. Last evaluated: 2021-05-05. Review status: criteria provided, single submitter. Criteria: GeneDx Variant Classification Process June 2021. Collection method: clinical testing. Allele origin: germline. Affected: yes.

Illumina Laboratory Services, Illumina
Classification: Benign for Multiple cutaneous and mucosal venous malformations. Last evaluated: 2018-01-13. Review status: criteria provided, single submitter. Criteria: ICSL Variant Classification Criteria 13 December 2019. Collection method: clinical testing. Allele origin: germline.
Comment: This variant was observed in the ICSL laboratory as part of a predisposition screen in an ostensibly healthy population. It had not been previously curated by ICSL or reported in the Human Gene Mutation Database (HGMD: prior to June 1st, 2018), and was therefore a candidate for classification through an automated scoring system. Utilizing variant allele frequency, disease prevalence and penetrance estimates, and inheritance mode, an automated score was calculated to assess if this variant is too frequent to cause the disease. Based on the score and internal cut-off values, a variant classified as benign is not then subjected to further curation. The score for this variant resulted in a classification of benign for this disease.

Breakthrough Genomics
Classification: Benign. Review status: criteria provided, single submitter. Criteria: ACMG Guidelines, 2015. Collection method: not provided. Allele origin: germline. Inheritance: Autosomal dominant inheritance. Affected: yes.